The following is an entry in ClinVar:

NM_004380.3(CREBBP):c.7209C>T (p.Pro2403=)

Gene: CREBBP (CREB binding lysine acetyltransferase; minus strand). Cytogenetic location: 16p13.3.
Variant type: single nucleotide variant.
Coding change: c.7209C>T on transcript NM_004380.3 (MANE Select); coding-DNA position 7209, C replaced by T.
Protein change: p.Pro2403=; no amino-acid change (proline 2403 retained).
Molecular consequence: synonymous variant.
Genome position (GRCh38, 1-based): chr16:3,727,838, G>A on the plus strand (C>T on the coding strand, the complement: CREBBP is on the minus strand). VCF-style: chr16-3727838-G-A. GRCh37 (hg19) VCF-style: chr16-3777839-G-A.
Other names: c.7095C>T, p.Pro2365= (NM_001079846.1).
Identifiers: ClinVar variation 1757698 (VCV001757698.6), dbSNP rs56060400, ClinGen allele CA7868934.

ClinVar aggregate classification (germline): Likely benign. Review status: criteria provided, multiple submitters, no conflicts (2 of 4 stars). 3 submissions from 3 submitters: Likely benign (2). 1 of the submissions does not count toward it. Last evaluated 2023-07-22.

Conditions:
Rubinstein-Taybi syndrome (RSTS). Identifiers: Orphanet 783, MedGen C0035934, MONDO:0019188.
CREBBP-related disorder. Also called: CREBBP-related condition; CREBBP-related disorders.
Inborn genetic diseases. Identifiers: MedGen C0950123, MeSH D030342.

Allele frequency attached by ClinVar (database versions not stated): ExAC 0.00002; gnomAD exomes 0.00003.
gnomAD v4.1: 43 of 1,614,006 alleles (0.0027%); highest among the groups gnomAD compares: South Asian, 0.0044%; no homozygotes.

Submissions (3):

Labcorp Genetics (formerly Invitae), Labcorp
Classification: Likely benign for Rubinstein-Taybi syndrome. Last evaluated: 2023-07-22. Review status: criteria provided, single submitter. Criteria: Invitae Variant Classification Sherloc (09022015). Collection method: clinical testing. Allele origin: germline.

Ambry Genetics
Classification: Likely benign for Inborn genetic diseases. Last evaluated: 2019-04-20. Review status: criteria provided, single submitter. Criteria: Ambry Variant Classification Scheme 2023. Collection method: clinical testing. Allele origin: germline.

PreventionGenetics, part of Exact Sciences
Classification: Likely benign for CREBBP-related condition. Last evaluated: 2024-09-25. Review status: no assertion criteria provided. Collection method: clinical testing. Allele origin: germline. Not counted in ClinVar's aggregate classification.
Comment: This variant is classified as likely benign based on ACMG/AMP sequence variant interpretation guidelines (Richards et al. 2015 PMID: 25741868, with internal and published modifications).